The following is an entry in ClinVar:

NM_006254.4(PRKCD):c.1747T>A (p.Phe583Ile)

Gene: PRKCD (protein kinase C delta; plus strand). Cytogenetic location: 3p21.1.
Variant type: single nucleotide variant.
Coding change: c.1747T>A on transcript NM_006254.4 (MANE Select); coding-DNA position 1747, T replaced by A.
Protein change: p.Phe583Ile; replaces phenylalanine 583 with isoleucine.
Molecular consequence: missense variant.
Genome position (GRCh38, 1-based): chr3:53,189,876, T>A. VCF-style: chr3-53189876-T-A. GRCh37 (hg19) VCF-style: chr3-53223892-T-A.
Other names: c.1747T>A, p.Phe583Ile (NM_001316327.2, NM_001354679.2, NM_001354680.2 and 1 more transcripts); c.1804T>A, p.Phe602Ile (NM_001354676.2); c.1795T>A, p.Phe599Ile (NM_001354678.2); short protein forms F583I, F599I, F602I.
Identifiers: ClinVar variation 3721413 (VCV003721413.2).

ClinVar aggregate classification (germline): Uncertain significance (1 of 4 stars; one submission).

Conditions:
Autoimmune lymphoproliferative syndrome, type III caused by mutation in PRKCD. Identifiers: Orphanet 3261, Orphanet 664711, MedGen C3809928, MONDO:8000024, OMIM 615559.

Submission:

Labcorp Genetics (formerly Invitae), Labcorp
Classification: Uncertain significance for Autoimmune lymphoproliferative syndrome, type III caused by mutation in PRKCD. Last evaluated: 2024-09-30. Review status: criteria provided, single submitter. Criteria: Invitae Variant Classification Sherloc (09022015). Collection method: clinical testing. Allele origin: germline.
Comment: This sequence change replaces phenylalanine, which is neutral and non-polar, with isoleucine, which is neutral and non-polar, at codon 583 of the PRKCD protein (p.Phe583Ile). This variant is not present in population databases (gnomAD no frequency). This variant has not been reported in the literature in individuals affected with PRKCD-related conditions. An algorithm developed to predict the effect of missense changes on protein structure and function (PolyPhen-2) suggests that this variant is likely to be disruptive. In summary, the available evidence is currently insufficient to determine the role of this variant in disease. Therefore, it has been classified as a Variant of Uncertain Significance.